The following is an entry in ClinVar:

NM_020247.5(COQ8A):c.565G>A (p.Glu189Lys)

Gene: COQ8A (coenzyme Q8A; plus strand). Cytogenetic location: 1q42.13.
Variant type: single nucleotide variant.
Coding change: c.565G>A on transcript NM_020247.5 (MANE Select); coding-DNA position 565, G replaced by A.
Protein change: p.Glu189Lys; replaces glutamic acid 189 with lysine.
Molecular consequence: missense variant.
Genome position (GRCh38, 1-based): chr1:226,965,387, G>A. VCF-style: chr1-226965387-G-A. GRCh37 (hg19) VCF-style: chr1-227153088-G-A.
Other names: short protein forms E189K.
Identifiers: ClinVar variation 1495717 (VCV001495717.3), dbSNP rs755269625, ClinGen allele CA1425040.

ClinVar aggregate classification (germline): Uncertain significance (1 of 4 stars; one submission).

Allele frequency attached by ClinVar (database versions not stated): gnomAD 0.00001; gnomAD exomes 0.00001; ExAC 0.00003; TOPMed 0.00003.
gnomAD v4.1: 10 of 1,610,500 alleles (0.00062%); highest among the groups gnomAD compares: East Asian, 0.0089%; no homozygotes.

Submission:

Labcorp Genetics (formerly Invitae), Labcorp
Classification: Uncertain significance. Last evaluated: 2021-12-03. Review status: criteria provided, single submitter. Criteria: Invitae Variant Classification Sherloc (09022015). Collection method: clinical testing. Allele origin: germline.
Comment: This sequence change replaces glutamic acid, which is acidic and polar, with lysine, which is basic and polar, at codon 189 of the COQ8A protein (p.Glu189Lys). This variant is present in population databases (rs755269625, gnomAD 0.01%). This variant has not been reported in the literature in individuals affected with COQ8A-related conditions. Advanced modeling of protein sequence and biophysical properties (such as structural, functional, and spatial information, amino acid conservation, physicochemical variation, residue mobility, and thermodynamic stability) performed at Invitae indicates that this missense variant is not expected to disrupt COQ8A protein function. In summary, the available evidence is currently insufficient to determine the role of this variant in disease. Therefore, it has been classified as a Variant of Uncertain Significance.